The following is an entry in ClinVar:

NM_198334.3(GANAB):c.1429T>C (p.Tyr477His)

Gene: GANAB (glucosidase II alpha subunit; minus strand). Cytogenetic location: 11q12.3.
Variant type: single nucleotide variant.
Coding change: c.1429T>C on transcript NM_198334.3 (MANE Select); coding-DNA position 1429, T replaced by C.
Protein change: p.Tyr477His; replaces tyrosine 477 with histidine.
Molecular consequence: missense variant.
Genome position (GRCh38, 1-based): chr11:62,630,463, A>G on the plus strand (T>C on the coding strand, the complement: GANAB is on the minus strand). VCF-style: chr11-62630463-A-G. GRCh37 (hg19) VCF-style: chr11-62397935-A-G.
Other names: c.1153T>C, p.Tyr385His (NM_001278192.2); c.1087T>C, p.Tyr363His (NM_001278193.2); c.1138T>C, p.Tyr380His (NM_001278194.2, NM_001329222.2, NM_001329223.2); c.706T>C, p.Tyr236His (NM_001329224.2, NM_001329225.2); c.1495T>C, p.Tyr499His (NM_198335.4); short protein forms Y236H, Y363H, Y380H, Y385H, Y477H, Y499H.
Identifiers: ClinVar variation 1803160 (VCV001803160.1), dbSNP rs2496333718, ClinGen allele CA380992739.
Genomic context (GRCh38, chr11:62,630,463, plus strand): 5'-CAGAGCCATCCCGGGTTTTAACATACAGCCCCAGGTTCCGCAGCTCCTCGTGAACTCGGT[A>G]GCCGGAGTCCACCTTGATGTGGGGGTCTACGATGGCCACCAGCTGGGGGCAAGGAACAGG-3'
Protein context (NP_938148.1, residues 467-487): VDPHIKVDSG[Tyr477His]RVHEELRNLG

ClinVar aggregate classification (germline): Likely pathogenic (1 of 4 stars; one submission).

Conditions:
Polycystic kidney disease 3 with or without polycystic liver disease. Also called: Polycystic kidney disease 3; POLYCYSTIC KIDNEY DISEASE, ADULT, TYPE III; Polycystic Kidney and/or Polycystic Liver Disease 3. Identifiers: MedGen C3887964, MONDO:0010916, OMIM 600666.

Submission:

Genetics and Molecular Pathology, SA Pathology
Classification: Likely pathogenic for Polycystic kidney disease 3 with or without polycystic liver disease. Last evaluated: 2021-08-11. Review status: criteria provided, single submitter. Criteria: ACMG Guidelines, 2015. Collection method: clinical testing. Allele origin: germline. Inheritance: Autosomal dominant inheritance. Affected: yes.
Comment: The GANAB c.1429T>C variant is classified as LIKELY PATHOGENIC (PM2, PP3, PS2) The GANAB c.1429T>C variant is a single nucleotide change in exon 12 of the GANAB gene, which is predicted to change the amino acid tyrosine at position 477 in the protein to histidine. It has not been reported in dbSNP and is absent from population databases (PM2). This variant has not been reported in the ClinVar or HGMD disease databases. Computational predictions support a deleterious effect on the gene or gene product (PP3).